The following is an entry in ClinVar:

ClinVar aggregate classification (germline): Benign (1 of 4 stars; one submission).

Submission:

Unidad de Genómica Garrahan, Hospital de Pediatría Garrahan
Classification: Benign. Last evaluated: 2024-07-31. Review status: criteria provided, single submitter. Criteria: ACMG Guidelines, 2015. Collection method: clinical testing. Allele origin: germline. Affected: no. Observed: 85 variant alleles.
Comment: This variant is classified as Benign based on local population frequency. This variant was detected in 91% of patients studied in a panel designed for Epileptic and Developmental Encephalopathy, Progressive Myoclonus Epilepsy and Abnormal Movements and Neurodegeneration with brain iron accumulation. Number of patients: 85. Only high quality variants are reported.

NM_173354.5(SIK1):c.1977-85T>A

Gene: SIK1 (salt inducible kinase 1; minus strand). Cytogenetic location: 21q22.3.
Variant type: single nucleotide variant.
Coding change: c.1977-85T>A on transcript NM_173354.5 (MANE Select); 85 bases into the intron before coding-DNA position 1977, T replaced by A.
Molecular consequence: intron variant.
Genome position (GRCh38, 1-based): chr21:43,417,202, A>T on the plus strand (T>A on the coding strand, the complement: SIK1 is on the minus strand). VCF-style: chr21-43417202-A-T. GRCh37 (hg19) VCF-style: chr21-44837082-A-T.
Identifiers: ClinVar variation 3256842 (VCV003256842.2).